The following is an entry in ClinVar:

ClinVar aggregate classification (germline): Uncertain significance (1 of 4 stars; one submission).

Conditions:
Autosomal dominant polycystic kidney disease. Identifiers: Orphanet 730, MedGen C0085413, MONDO:0004691.

Submission:

Labcorp Genetics (formerly Invitae), Labcorp
Classification: Uncertain significance for Autosomal dominant polycystic kidney disease. Last evaluated: 2022-06-13. Review status: criteria provided, single submitter. Criteria: Invitae Variant Classification Sherloc (09022015). Collection method: clinical testing. Allele origin: germline.
Comment: This variant is not present in population databases (gnomAD no frequency). In summary, the available evidence is currently insufficient to determine the role of this variant in disease. Therefore, it has been classified as a Variant of Uncertain Significance. Algorithms developed to predict the effect of missense changes on protein structure and function (SIFT, PolyPhen-2, Align-GVGD) all suggest that this variant is likely to be tolerated. This variant has not been reported in the literature in individuals affected with PKD2-related conditions. This sequence change replaces glutamic acid, which is acidic and polar, with lysine, which is basic and polar, at codon 785 of the PKD2 protein (p.Glu785Lys).

NM_000297.4(PKD2):c.2353G>A (p.Glu785Lys)

Gene: PKD2 (polycystin 2, transient receptor potential cation channel; plus strand). Cytogenetic location: 4q22.1.
Variant type: single nucleotide variant.
Coding change: c.2353G>A on transcript NM_000297.4 (MANE Select); coding-DNA position 2353, G replaced by A.
Protein change: p.Glu785Lys; replaces glutamic acid 785 with lysine.
Molecular consequence: missense variant. On other transcripts: non-coding transcript variant (1).
Genome position (GRCh38, 1-based): chr4:88,065,874, G>A. VCF-style: chr4-88065874-G-A. GRCh37 (hg19) VCF-style: chr4-88987026-G-A.
Other names: short protein forms E785K.
Identifiers: ClinVar variation 1967107 (VCV001967107.5), dbSNP rs2475980912, ClinGen allele CA357625530.